The following is an entry in ClinVar:

NM_004415.4(DSP):c.7762G>T (p.Glu2588Ter)

Gene: DSP (desmoplakin; plus strand). Cytogenetic location: 6p24.3.
Variant type: single nucleotide variant.
Coding change: c.7762G>T on transcript NM_004415.4 (MANE Select); coding-DNA position 7762, G replaced by T.
Protein change: p.Glu2588Ter; replaces glutamic acid 2588 with a stop codon.
Molecular consequence: nonsense.
Genome position (GRCh38, 1-based): chr6:7,585,024, G>T. VCF-style: chr6-7585024-G-T. GRCh37 (hg19) VCF-style: chr6-7585257-G-T.
Other names: c.5965G>T, p.Glu1989Ter (NM_001008844.3); c.6433G>T, p.Glu2145Ter (NM_001319034.2); short protein forms E1989*, E2145*, E2588*.
Identifiers: ClinVar variation 2574084 (VCV002574084.2), dbSNP rs763971574, ClinGen allele CA133976572.

ClinVar aggregate classification (germline): Likely pathogenic. Review status: criteria provided, single submitter (1 of 4 stars). 2 submissions from 2 submitters: Likely pathogenic (1). 1 of the submissions does not count toward it. Last evaluated 2026-03-09.

Conditions:
Arrhythmogenic right ventricular dysplasia 8 (ARVD8). Also called: Arrhythmogenic Right Ventricular Dysplasia/Cardiomyopathy 8; ARRHYTHMOGENIC RIGHT VENTRICULAR DYSPLASIA, FAMILIAL, 8; ARRHYTHMOGENIC RIGHT VENTRICULAR CARDIOMYOPATHY 8. Identifiers: MedGen C1843896, MONDO:0011831, OMIM 607450.

Submissions (2):

GeneDx
Classification: Likely pathogenic. Last evaluated: 2026-03-09. Review status: criteria provided, single submitter. Criteria: GeneDx Variant Classification Process June 2021. Collection method: clinical testing. Allele origin: germline.
Comment: Has not been previously published as pathogenic or benign to our knowledge; Not observed at significant frequency in large population cohorts (gnomAD); Nonsense variant predicted to result in protein truncation or nonsense mediated decay in a gene for which loss of function is a known mechanism of disease; This variant is associated with the following publications: (PMID: 37937776)

deCODE genetics, Amgen
Classification: Likely pathogenic for Arrhythmogenic right ventricular dysplasia 8. Last evaluated: 2023-07-21. Review status: no assertion criteria provided. Collection method: research. Allele origin: germline. Affected: yes. Observed: 1 variant allele. Not counted in ClinVar's aggregate classification.
Comment: The variant NM_004415.4:c.7762G>T (chr6:7585024) in DSP was detected in 1 heterozygote out of 58K WGS Icelanders (MAF= 0,001%). This variant has not been reported in ClinVar previously. Based on ACMG criteria (PVS1, PM2) this variant classifies as likely pathogenic.